The following is an entry in ClinVar:

ClinVar aggregate classification (germline): Uncertain significance. Review status: criteria provided, multiple submitters, no conflicts (2 of 4 stars). 2 submissions from 2 submitters: Uncertain significance (2). Last evaluated 2024-04-05.

Allele frequency attached by ClinVar (database versions not stated): TOPMed below 0.00001; gnomAD 0.00003.
gnomAD v4.1: 1 of 1,613,888 alleles (0.000062%); no homozygotes.

Submissions (2):

GeneDx
Classification: Uncertain significance. Last evaluated: 2024-04-05. Review status: criteria provided, single submitter. Criteria: GeneDx Variant Classification Process June 2021. Collection method: clinical testing. Allele origin: germline. Affected: yes.
Comment: See Variant Classification Assertion Criteria.

Mayo Clinic Laboratories, Mayo Clinic
Classification: Uncertain significance. Last evaluated: 2021-10-22. Review status: criteria provided, single submitter. Criteria: ACMG Guidelines, 2015. Collection method: clinical testing. Allele origin: germline.

NM_001267550.2(TTN):c.13213G>A (p.Ala4405Thr)

Gene: TTN (titin; minus strand). Cytogenetic location: 2q31.2.
Variant type: single nucleotide variant.
Coding change: c.13213G>A on transcript NM_001267550.2 (MANE Select); coding-DNA position 13213, G replaced by A.
Protein change: p.Ala4405Thr; replaces alanine 4405 with threonine.
Molecular consequence: missense variant. On other transcripts: intron variant (1).
Genome position (GRCh38, 1-based): chr2:178,740,020, C>T on the plus strand (G>A on the coding strand, the complement: TTN is on the minus strand). VCF-style: chr2-178740020-C-T. GRCh37 (hg19) VCF-style: chr2-179604747-C-T.
Other names: p.A4088T:GCA>ACA; p.Ala4088Thr; c.12262G>A, p.Ala4088Thr (NM_001256850.1); c.12124G>A, p.Ala4042Thr (NM_003319.4); c.12499G>A, p.Ala4167Thr (NM_133432.3); c.12700G>A, p.Ala4234Thr (NM_133437.4); c.10361-1660G>A (NM_133378.4); short protein forms A4088T, A4405T, A4167T, A4042T, A4234T.
Identifiers: ClinVar variation 202347 (VCV000202347.8), dbSNP rs794729253, ClinGen allele CA309165.